The following is an entry in ClinVar:

NM_000094.4(COL7A1):c.1093+1G>A

Gene: COL7A1 (collagen type VII alpha 1 chain; minus strand). Cytogenetic location: 3p21.31.
Variant type: single nucleotide variant.
Coding change: c.1093+1G>A on transcript NM_000094.4 (MANE Select); the canonical splice donor site of the intron after coding-DNA position 1093, G replaced by A.
Molecular consequence: splice donor variant.
Genome position (GRCh38, 1-based): chr3:48,592,350, C>T on the plus strand (G>A on the coding strand, the complement: COL7A1 is on the minus strand). VCF-style: chr3-48592350-C-T. GRCh37 (hg19) VCF-style: chr3-48629783-C-T.
Identifiers: ClinVar variation 1482064 (VCV001482064.8), dbSNP rs1307626649, ClinGen allele CA352738415.

ClinVar aggregate classification (germline): Likely pathogenic (1 of 4 stars; one submission).

Submission:

Labcorp Genetics (formerly Invitae), Labcorp
Classification: Likely pathogenic. Last evaluated: 2023-11-07. Review status: criteria provided, single submitter. Criteria: Invitae Variant Classification Sherloc (09022015). Collection method: clinical testing. Allele origin: germline.
Comment: This sequence change affects a donor splice site in intron 8 of the COL7A1 gene. It is expected to disrupt RNA splicing. Variants that disrupt the donor or acceptor splice site typically lead to a loss of protein function (PMID: 16199547), and loss-of-function variants in COL7A1 are known to be pathogenic (PMID: 16971478). This variant is not present in population databases (gnomAD no frequency). This variant has not been reported in the literature in individuals affected with COL7A1-related conditions. ClinVar contains an entry for this variant (Variation ID: 1482064). Algorithms developed to predict the effect of sequence changes on RNA splicing suggest that this variant may disrupt the consensus splice site. In summary, the currently available evidence indicates that the variant is pathogenic, but additional data are needed to prove that conclusively. Therefore, this variant has been classified as Likely Pathogenic.

Literature cited by the submitters: PubMed 16199547; PubMed 16971478.